The following is an entry in ClinVar:

ClinVar aggregate classification (germline): Conflicting classifications of pathogenicity. Review status: criteria provided, conflicting classifications (1 of 4 stars). 4 submissions from 4 submitters: Uncertain significance (3); Likely benign (1). Last evaluated 2026-01-22.

Conditions:
PLEC-related disorder. Also called: PLEC-related disorders; PLEC-related condition.
Epidermolysis bullosa simplex 5C, with pyloric atresia (EBS5C). Also called: PLEC-Related Epidermolysis Bullosa with Pyloric Atresia; Epidermolysis bullosa simplex with pyloric atresia; PLEC1-Related Epidermolysis Bullosa with Pyloric Atresia. Identifiers: Orphanet 158684, MedGen C2677349, MONDO:0012807, OMIM 612138.
Epidermolysis bullosa simplex with nail dystrophy (EBS5D). Identifiers: MedGen C4225309, MONDO:0014661, OMIM 616487.
Autosomal recessive limb-girdle muscular dystrophy type 2Q (LGMDR17). Also called: MUSCULAR DYSTROPHY, LIMB-GIRDLE, AUTOSOMAL RECESSIVE 17. Identifiers: Orphanet 254361, MedGen C3150989, MONDO:0013390, OMIM 613723.
Epidermolysis bullosa simplex 5B, with muscular dystrophy (EBS5B). Also called: EPIDERMOLYSIS BULLOSA SIMPLEX AND LIMB-GIRDLE MUSCULAR DYSTROPHY; Epidermolysis bullosa simplex with muscular dystrophy. Identifiers: Orphanet 257, MedGen C2931072, MONDO:0009181, OMIM 226670.
Epidermolysis bullosa simplex, Ogna type (EBS5A). Also called: Pidermolysis bullosa simplex 5A, Ogna type; EPIDERMOLYSIS BULLOSA SIMPLEX 5A, OGNA TYPE. Identifiers: Orphanet 79401, MedGen C0432317, MONDO:0007555, OMIM 131950.

Allele frequency attached by ClinVar (database versions not stated): gnomAD exomes 0.00005; gnomAD 0.00006; TOPMed 0.00008.
gnomAD v4.1: 83 of 1,611,228 alleles (0.0052%); highest among the groups gnomAD compares: South Asian, 0.012%; no homozygotes.

Submissions (4):

PreventionGenetics, part of Exact Sciences
Classification: Uncertain significance for PLEC-related condition. Last evaluated: 2026-01-22. Review status: criteria provided, single submitter. Criteria: ACMG Guidelines, 2015. Collection method: clinical testing. Allele origin: germline.
Comment: The PLEC c.9376G>A variant is predicted to result in the amino acid substitution p.Glu3126Lys. To our knowledge, this variant has not been reported in the literature. This variant is reported in 0.013% of alleles in individuals of South Asian descent in gnomAD. At this time, the clinical significance of this variant is uncertain due to the absence of conclusive functional and genetic evidence.

Labcorp Genetics (formerly Invitae), Labcorp
Classification: Uncertain significance for Autosomal recessive limb-girdle muscular dystrophy type 2Q; Epidermolysis bullosa simplex, Ogna type; Epidermolysis bullosa simplex with nail dystrophy; Epidermolysis bullosa simplex 5C, with pyloric atresia; Epidermolysis bullosa simplex 5B, with muscular dystrophy. Last evaluated: 2025-12-29. Review status: criteria provided, single submitter. Criteria: Invitae Variant Classification Sherloc (09022015). Collection method: clinical testing. Allele origin: germline.
Comment: This sequence change replaces glutamic acid, which is acidic and polar, with lysine, which is basic and polar, at codon 3126 of the PLEC protein (p.Glu3126Lys). This variant is present in population databases (rs782532815, gnomAD 0.01%). This variant has not been reported in the literature in individuals affected with PLEC-related conditions. ClinVar contains an entry for this variant (Variation ID: 1058015). An algorithm developed to predict the effect of missense changes on protein structure and function (PolyPhen-2) suggests that this variant is likely to be disruptive. In summary, the available evidence is currently insufficient to determine the role of this variant in disease. Therefore, it has been classified as a Variant of Uncertain Significance.

Revvity Omics, Revvity
Classification: Uncertain significance. Last evaluated: 2019-10-30. Review status: criteria provided, single submitter. Criteria: ACMG Guidelines, 2015. Collection method: clinical testing. Allele origin: germline.

GeneDx
Classification: Likely benign. Last evaluated: 2018-11-14. Review status: criteria provided, single submitter. Criteria: GeneDx Variant Classification Process June 2021. Collection method: clinical testing. Allele origin: germline. Affected: yes.

NM_201384.3(PLEC):c.9295G>A (p.Glu3099Lys)

Gene: PLEC (plectin; minus strand). Cytogenetic location: 8q24.3.
Variant type: single nucleotide variant.
Coding change: c.9295G>A on transcript NM_201384.3 (MANE Select); coding-DNA position 9295, G replaced by A.
Protein change: p.Glu3099Lys; replaces glutamic acid 3099 with lysine.
Molecular consequence: missense variant.
Genome position (GRCh38, 1-based): chr8:143,920,526, C>T on the plus strand (G>A on the coding strand, the complement: PLEC is on the minus strand). VCF-style: chr8-143920526-C-T. GRCh37 (hg19) VCF-style: chr8-144994694-C-T.
Other names: c.9376G>A (NM_000445.4); c.9295G>A, p.Glu3099Lys (NM_201382.4); c.9307G>A, p.Glu3103Lys (NM_201383.3); c.9376G>A, p.Glu3126Lys (NM_000445.5); c.9253G>A, p.Glu3085Lys (NM_201378.4); c.9229G>A, p.Glu3077Lys (NM_201379.3); c.9706G>A, p.Glu3236Lys (NM_201380.4); c.9199G>A, p.Glu3067Lys (NM_201381.3); short protein forms E3067K, E3077K, E3085K, E3099K, E3103K, E3126K, E3236K.
Identifiers: ClinVar variation 1058015 (VCV001058015.13), dbSNP rs782532815, ClinGen allele CA4925009.